The following is an entry in ClinVar:

ClinVar aggregate classification (germline): Uncertain significance (1 of 4 stars; one submission).

Conditions:
Congenital myasthenic syndrome 8. Also called: MYASTHENIC SYNDROME, CONGENITAL, DUE TO AGRIN DEFICIENCY; Myasthenic syndrome, congenital, 8, with pre- and postsynaptic defects. Identifiers: Orphanet 590, MedGen C3808739, MONDO:0014052, OMIM 615120.

Allele frequency attached by ClinVar (database versions not stated): gnomAD 0.00001.

Submission:

Labcorp Genetics (formerly Invitae), Labcorp
Classification: Uncertain significance for Congenital myasthenic syndrome 8. Last evaluated: 2022-07-06. Review status: criteria provided, single submitter. Criteria: Invitae Variant Classification Sherloc (09022015). Collection method: clinical testing. Allele origin: germline.
Comment: This sequence change replaces arginine, which is basic and polar, with cysteine, which is neutral and slightly polar, at codon 1739 of the AGRN protein (p.Arg1739Cys). This variant is not present in population databases (gnomAD no frequency). This variant has not been reported in the literature in individuals affected with AGRN-related conditions. ClinVar contains an entry for this variant (Variation ID: 1446747). Algorithms developed to predict the effect of missense changes on protein structure and function are either unavailable or do not agree on the potential impact of this missense change (SIFT: "Deleterious"; PolyPhen-2: "Probably Damaging"; Align-GVGD: "Class C0"). Algorithms developed to predict the effect of sequence changes on RNA splicing suggest that this variant may create or strengthen a splice site. In summary, the available evidence is currently insufficient to determine the role of this variant in disease. Therefore, it has been classified as a Variant of Uncertain Significance.

NM_198576.4(AGRN):c.5215C>T (p.Arg1739Cys)

Gene: AGRN (agrin; plus strand). Cytogenetic location: 1p36.33.
Variant type: single nucleotide variant.
Coding change: c.5215C>T on transcript NM_198576.4 (MANE Select); coding-DNA position 5215, C replaced by T.
Protein change: p.Arg1739Cys; replaces arginine 1739 with cysteine.
Molecular consequence: missense variant.
Genome position (GRCh38, 1-based): chr1:1,050,799, C>T. VCF-style: chr1-1050799-C-T. GRCh37 (hg19) VCF-style: chr1-986179-C-T.
Other names: c.5215C>T, p.Arg1739Cys (NM_001305275.2); c.4900C>T, p.Arg1634Cys (NM_001364727.2); short protein forms R1634C, R1739C.
Identifiers: ClinVar variation 1446747 (VCV001446747.5), dbSNP rs1361084400, ClinGen allele CA337781048.